The following is an entry in ClinVar:

NM_000070.3(CAPN3):c.2207_2208del (p.Thr736fs)

Gene: CAPN3 (calpain 3; plus strand). Cytogenetic location: 15q15.1.
Variant type: Microsatellite.
Coding change: c.2207_2208del on transcript NM_000070.3 (MANE Select); coding-DNA positions 2207 to 2208, 2 bases deleted (CA; older notation c.2207_2208delCA).
Protein change: p.Thr736fs; shifts the reading frame from threonine 736.
Molecular consequence: frameshift variant.
Genome position (GRCh38, 1-based): chr15:42,410,610-42,410,611, CA deleted; deleting any 2 consecutive bases within chr15:42,410,607-42,410,611 gives the same sequence; the c. name uses the placement nearest the transcript's 3' end. VCF-style (leftmost placement, unchanged base first): chr15-42410606-GAC-G. GRCh37 (hg19) VCF-style: chr15-42702804-GAC-G.
Other names: c.2189_2190del, p.Thr730fs (NM_024344.2); c.1931_1932del, p.Thr644fs (NM_173087.2); c.671_672del, p.Thr224fs (NM_173088.2); c.212_213del, p.Thr71fs (NM_173089.2, NM_173090.2); short protein forms T644fs, T730fs, T71fs, T736fs, T224fs.
Identifiers: ClinVar variation 128569 (VCV000128569.17), dbSNP rs587780289, ClinGen allele CA345535.

ClinVar aggregate classification (germline): Pathogenic/Likely pathogenic. Review status: criteria provided, multiple submitters, no conflicts (2 of 4 stars). 5 submissions from 5 submitters: Pathogenic (3); Likely pathogenic (1). 1 of the submissions does not count toward it. Last evaluated 2025-04-07.

Conditions:
Muscular dystrophy, limb-girdle, autosomal dominant 4. Also called: Calpain-3-related limb-girdle muscular dystrophy D4; MUSCULAR DYSTROPHY, LIMB-GIRDLE, TYPE 1I. Identifiers: Orphanet 565909, MedGen C4748295, MONDO:0029133, OMIM 618129.
Autosomal recessive limb-girdle muscular dystrophy type 2A (LGMDR1). Also called: LEYDEN-MOEBIUS MUSCULAR DYSTROPHY; MUSCULAR DYSTROPHY, PELVOFEMORAL; Limb-girdle muscular dystrophy, type 2A; Calpainopathy; Muscular dystrophy, limb-girdle, type 2A, Amish. Identifiers: Orphanet 267, MedGen C1869123, MONDO:0009675, OMIM 253600. Disease mechanism: loss of function.

Submissions (5):

Labcorp Genetics (formerly Invitae), Labcorp
Classification: Pathogenic for Autosomal recessive limb-girdle muscular dystrophy type 2A. Last evaluated: 2025-04-07. Review status: criteria provided, single submitter. Criteria: Invitae Variant Classification Sherloc (09022015). Collection method: clinical testing. Allele origin: germline.
Comment: This sequence change creates a premature translational stop signal (p.Thr736Argfs*28) in the CAPN3 gene. It is expected to result in an absent or disrupted protein product. Loss-of-function variants in CAPN3 are known to be pathogenic (PMID: 10330340, 15689361). This variant is not present in population databases (gnomAD no frequency). This premature translational stop signal has been observed in individual(s) with autosomal recessive limb-girdle muscular dystrophy (PMID: 16141003). This variant is also known as 2204_2205del, T736fs+2X27. For these reasons, this variant has been classified as Pathogenic.

Baylor Genetics
Classification: Pathogenic for Muscular dystrophy, limb-girdle, autosomal dominant 4. Last evaluated: 2023-11-18. Review status: criteria provided, single submitter. Criteria: ACMG Guidelines, 2015. Collection method: clinical testing. Allele origin: unknown.

GeneDx
Classification: Likely pathogenic. Last evaluated: 2022-01-21. Review status: criteria provided, single submitter. Criteria: GeneDx Variant Classification Process June 2021. Collection method: clinical testing. Allele origin: germline. Affected: yes.
Comment: Identified in patients with limb-girdle muscular dystrophy, however, no specific clinical or segregation information was provided (Piluso et al., 2005; Zhong et al., 2021); Frameshift variant predicted to result in protein truncation or nonsense mediated decay in a gene for which loss-of-function is a known mechanism of disease; Not observed at significant frequency in large population cohorts (gnomAD); This variant is associated with the following publications: (PMID: 16141003, 32994280)

Genetic Services Laboratory, University of Chicago
Classification: Pathogenic for Muscular dystrophy, limb-girdle, type 2A. Last evaluated: 2013-12-02. Review status: criteria provided, single submitter. Criteria: ACMG Guidelines, 2007. Collection method: clinical testing. Allele origin: germline. Inheritance: Autosomal recessive inheritance. Affected: yes.

Counsyl
Classification: Likely pathogenic for Autosomal recessive limb-girdle muscular dystrophy type 2A. Last evaluated: 2018-01-25. Review status: no assertion criteria provided. Collection method: clinical testing. Allele origin: unknown. Not counted in ClinVar's aggregate classification.

Literature cited by the submitters: PubMed 10330340 (cited by Labcorp Genetics (formerly Invitae), Labcorp); PubMed 15689361 (cited by Labcorp Genetics (formerly Invitae), Labcorp); PubMed 16141003 (cited by Labcorp Genetics (formerly Invitae), Labcorp and Counsyl).